The following is an entry in ClinVar:

ClinVar aggregate classification (germline): Uncertain significance (1 of 4 stars; one submission).

Submission:

Labcorp Genetics (formerly Invitae), Labcorp
Classification: Uncertain significance. Last evaluated: 2022-04-30. Review status: criteria provided, single submitter. Criteria: Invitae Variant Classification Sherloc (09022015). Collection method: clinical testing. Allele origin: germline.
Comment: This sequence change replaces tryptophan, which is neutral and slightly polar, with cysteine, which is neutral and slightly polar, at codon 3 of the GORAB protein (p.Trp3Cys). This variant is not present in population databases (gnomAD no frequency). This variant has not been reported in the literature in individuals affected with GORAB-related conditions. Algorithms developed to predict the effect of missense changes on protein structure and function output the following: SIFT: "Tolerated"; PolyPhen-2: "Possibly Damaging"; Align-GVGD: "Class C0". The cysteine amino acid residue is found in multiple mammalian species, which suggests that this missense change does not adversely affect protein function. In summary, the available evidence is currently insufficient to determine the role of this variant in disease. Therefore, it has been classified as a Variant of Uncertain Significance.

NC_000001.11:g.170532157G>C

Genes: GORAB (golgin, RAB6 interacting; plus strand), GORAB-AS1 (GORAB antisense RNA 1; minus strand). Cytogenetic location: 1q24.2.
Variant type: single nucleotide variant.
Genome position: GRCh38 VCF-style: chr1-170532157-G-C. GRCh37 (hg19) VCF-style: chr1-170501298-G-C.
Identifiers: ClinVar variation 1908394 (VCV001908394.2), dbSNP rs2525903309, ClinGen allele CA343159784.